The following is an entry in ClinVar:

ClinVar aggregate classification (germline): Uncertain significance (1 of 4 stars; one submission).

Conditions:
Left ventricular noncompaction 1 (LVNC1). Also called: LEFT VENTRICULAR NONCOMPACTION 1 WITH OR WITHOUT CONGENITAL HEART DEFECTS. Identifiers: Orphanet 54260, MedGen C1858725, MONDO:0011403, OMIM 604169.

gnomAD v4.1: 1 of 1,609,280 alleles (0.000062%); highest among the groups gnomAD compares: Non-Finnish European, 0.000085%; no homozygotes.

Submission:

Labcorp Genetics (formerly Invitae), Labcorp
Classification: Uncertain significance for Left ventricular noncompaction 1. Last evaluated: 2021-02-02. Review status: criteria provided, single submitter. Criteria: Invitae Variant Classification Sherloc (09022015). Collection method: clinical testing. Allele origin: germline.
Comment: This variant has not been reported in the literature in individuals with DTNA-related conditions. In summary, the available evidence is currently insufficient to determine the role of this variant in disease. Therefore, it has been classified as a Variant of Uncertain Significance. Algorithms developed to predict the effect of missense changes on protein structure and function (SIFT, PolyPhen-2, Align-GVGD) all suggest that this variant is likely to be disruptive, but these predictions have not been confirmed by published functional studies and their clinical significance is uncertain. This variant is not present in population databases (ExAC no frequency). This sequence change replaces arginine with cysteine at codon 521 of the DTNA protein (p.Arg521Cys). The arginine residue is highly conserved and there is a large physicochemical difference between arginine and cysteine.

NM_001386795.1(DTNA):c.1651C>T (p.Arg551Cys)

Gene: DTNA (dystrobrevin alpha; plus strand). Cytogenetic location: 18q12.1.
Variant type: single nucleotide variant.
Coding change: c.1651C>T on transcript NM_001386795.1 (MANE Select); coding-DNA position 1651, C replaced by T.
Protein change: p.Arg551Cys; replaces arginine 551 with cysteine.
Molecular consequence: missense variant.
Genome position (GRCh38, 1-based): chr18:34,863,970, C>T. VCF-style: chr18-34863970-C-T. GRCh37 (hg19) VCF-style: chr18-32443934-C-T.
Other names: c.1390C>T, p.Arg464Cys (NM_001198938.2, NM_001198939.2, NM_001198940.2 and 9 more transcripts); c.697C>T, p.Arg233Cys (NM_001198942.1); c.640C>T, p.Arg214Cys (NM_001198943.1); c.526C>T, p.Arg176Cys (NM_001198944.1); c.820C>T, p.Arg274Cys (NM_001198945.2); c.1480C>T, p.Arg494Cys (NM_001386754.1, NM_001386755.1, NM_001386756.1 and 4 more transcripts); c.1477C>T, p.Arg493Cys (NM_001386760.1); c.1399C>T, p.Arg467Cys (NM_001386761.1, NM_032975.4, NM_032979.5); and 7 more; short protein forms R233C, R274C, R463C, R494C, R146C, R172C, R467C, R493C.
Identifiers: ClinVar variation 1444824 (VCV001444824.8), dbSNP rs2150150752, ClinGen allele CA402176443.